The following is an entry in ClinVar:

ClinVar aggregate classification (germline): Pathogenic (1 of 4 stars; one submission).

Conditions:
Lysinuric protein intolerance (LPI). Identifiers: Orphanet 470, MedGen C0268647, MONDO:0009109, OMIM 222700.

Submission:

Labcorp Genetics (formerly Invitae), Labcorp
Classification: Pathogenic for Lysinuric protein intolerance. Last evaluated: 2022-05-15. Review status: criteria provided, single submitter. Criteria: Invitae Variant Classification Sherloc (09022015). Collection method: clinical testing. Allele origin: germline.
Comment: For these reasons, this variant has been classified as Pathogenic. This variant disrupts a region of the SLC7A7 protein in which other variant(s) (p.Glu36del) have been observed in individuals with SLC7A7-related conditions (PMID: 15756301). This suggests that this is a clinically significant region of the protein, and that variants that disrupt it are likely to be disease-causing. Algorithms developed to predict the effect of sequence changes on RNA splicing suggest that this variant may create or strengthen a splice site. Disruption of the initiator codon has been observed in individual(s) with lysinuric protein intolerance (PMID: 10631139). It has also been observed to segregate with disease in related individuals. This variant is not present in population databases (gnomAD no frequency). This sequence change affects the initiator methionine of the SLC7A7 mRNA. The next in-frame methionine is located at codon 50.

Literature cited by the submitters: PubMed 15756301; PubMed 10631139.

NM_003982.4(SLC7A7):c.3G>A (p.Met1Ile)

Genes: SLC7A7 (solute carrier family 7 member 7; minus strand), LOC130055324 (ATAC-STARR-seq lymphoblastoid silent region 5590; plus strand). Cytogenetic location: 14q11.2.
Variant type: single nucleotide variant.
Coding change: c.3G>A on transcript NM_003982.4 (MANE Select); coding-DNA position 3, G replaced by A.
Protein change: p.Met1Ile; changes the start codon (methionine 1).
Molecular consequence: missense variant, initiator codon variant.
Genome position (GRCh38, 1-based): chr14:22,813,396, C>T on the plus strand (G>A on the coding strand, the complement: SLC7A7 is on the minus strand). VCF-style: chr14-22813396-C-T. GRCh37 (hg19) VCF-style: chr14-23282605-C-T.
Other names: c.3G>A, p.Met1Ile (NM_001126105.3, NM_001126106.4); short protein forms M1I.
Identifiers: ClinVar variation 1994997 (VCV001994997.5), dbSNP rs2501978400, ClinGen allele CA388923816.